The following is an entry in ClinVar:

NM_000530.8(MPZ):c.152C>T (p.Ser51Phe)

Gene: MPZ (myelin protein zero; minus strand). Cytogenetic location: 1q23.3.
Variant type: single nucleotide variant.
Coding change: c.152C>T on transcript NM_000530.8 (MANE Select); coding-DNA position 152, C replaced by T.
Protein change: p.Ser51Phe; replaces serine 51 with phenylalanine.
Molecular consequence: missense variant.
Genome position (GRCh38, 1-based): chr1:161,307,340, G>A on the plus strand (C>T on the coding strand, the complement: MPZ is on the minus strand). VCF-style: chr1-161307340-G-A. GRCh37 (hg19) VCF-style: chr1-161277130-G-A.
Other names: c.152C>T (LRG_256t1); c.152C>T, p.Ser51Phe (NM_001315491.2); short protein forms S51F.
Identifiers: ClinVar variation 531693 (VCV000531693.47), dbSNP rs1553259790, ClinGen allele CA343351152.

ClinVar aggregate classification (germline): Pathogenic/Likely pathogenic. Review status: criteria provided, multiple submitters, no conflicts (2 of 4 stars). 4 submissions from 4 submitters: Pathogenic (2); Likely pathogenic (1). 1 of the submissions does not count toward it. Last evaluated 2026-01-26.

Conditions:
Charcot-Marie-Tooth disease, type I (CMT1). Also called: Charcot-Marie-Tooth, Type 1; Charcot-Marie-Tooth disease type 1. Identifiers: Orphanet 65753, MedGen C0751036, MONDO:0019011.
Charcot-Marie-Tooth disease dominant intermediate B (CMTDIB). Also called: Charcot-Marie-Tooth disease dominant intermediate 1; CMT DI1; Charcot-Marie-Tooth disease dominant intermediate I; CHARCOT-MARIE-TOOTH NEUROPATHY, DOMINANT INTERMEDIATE B. Identifiers: Orphanet 100044, Orphanet 228179, MedGen C1847902, MONDO:0011674, OMIM 606482.
Charcot-Marie-Tooth disease. Also called: Charcot-Marie-Tooth Neuropathy; Charcot-Marie-Tooth Hereditary Neuropathy. Identifiers: Orphanet 166, MedGen C0007959, MONDO:0015626.

Submissions (4):

Medical and Scientific Branch, Hong Kong Genome Institute
Classification: Likely pathogenic for Charcot-Marie-Tooth disease dominant intermediate B. Last evaluated: 2026-01-26. Review status: criteria provided, single submitter. Criteria: ACMG Guidelines, 2015. Collection method: clinical testing. Allele origin: unknown. Affected: yes.

Labcorp Genetics (formerly Invitae), Labcorp
Classification: Pathogenic for Charcot-Marie-Tooth disease, type I. Last evaluated: 2023-11-11. Review status: criteria provided, single submitter. Criteria: Invitae Variant Classification Sherloc (09022015). Collection method: clinical testing. Allele origin: germline.
Comment: This sequence change replaces serine, which is neutral and polar, with phenylalanine, which is neutral and non-polar, at codon 51 of the MPZ protein (p.Ser51Phe). This variant is not present in population databases (gnomAD no frequency). This missense change has been observed in individuals with Charcot-Marie-Tooth disease (PMID: 11437164, 19293842, 23649551, 24819634). It has also been observed to segregate with disease in related individuals. ClinVar contains an entry for this variant (Variation ID: 531693). Advanced modeling of protein sequence and biophysical properties (such as structural, functional, and spatial information, amino acid conservation, physicochemical variation, residue mobility, and thermodynamic stability) has been performed at Invitae for this missense variant, however the output from this modeling did not meet the statistical confidence thresholds required to predict the impact of this variant on MPZ protein function. For these reasons, this variant has been classified as Pathogenic.

CeGaT Center for Human Genetics Tuebingen
Classification: Pathogenic. Last evaluated: 2021-12-01. Review status: criteria provided, single submitter. Criteria: CeGaT Center For Human Genetics Tuebingen Variant Classification Criteria Version 2. Collection method: clinical testing. Allele origin: germline. Affected: yes. Observed: 1 variant allele.

Inherited Neuropathy Consortium
Classification: Uncertain significance for Charcot-Marie-Tooth disease. Review status: no assertion criteria provided. Collection method: literature only. Allele origin: germline. Affected: yes. Not counted in ClinVar's aggregate classification.

Literature cited by the submitters: PubMed 11437164 (cited by Labcorp Genetics (formerly Invitae), Labcorp and Inherited Neuropathy Consortium); PubMed 19293842 (cited by Labcorp Genetics (formerly Invitae), Labcorp); PubMed 23649551 (cited by Labcorp Genetics (formerly Invitae), Labcorp); PubMed 24819634 (cited by Labcorp Genetics (formerly Invitae), Labcorp).